The following is an entry in ClinVar:

NM_014425.5(INVS):c.1220A>C (p.Gln407Pro)

Gene: INVS (inversin; plus strand). Cytogenetic location: 9q31.1.
Variant type: single nucleotide variant.
Coding change: c.1220A>C on transcript NM_014425.5 (MANE Select); coding-DNA position 1220, A replaced by C.
Protein change: p.Gln407Pro; replaces glutamine 407 with proline.
Molecular consequence: missense variant. On other transcripts: non-coding transcript variant (1).
Genome position (GRCh38, 1-based): chr9:100,252,424, A>C. VCF-style: chr9-100252424-A-C. GRCh37 (hg19) VCF-style: chr9-103014706-A-C.
Other names: c.932A>C, p.Gln311Pro (NM_001318381.2); c.242A>C, p.Gln81Pro (NM_001318382.2); c.1220A>C (NM_014425.2); short protein forms Q311P, Q407P, Q81P.
Identifiers: ClinVar variation 656690 (VCV000656690.5), dbSNP rs374662619, ClinGen allele CA5158348.

ClinVar aggregate classification (germline): Uncertain significance. Review status: criteria provided, multiple submitters, no conflicts (2 of 4 stars). 2 submissions from 2 submitters: Uncertain significance (2). Last evaluated 2025-04-18.

Conditions:
Inborn genetic diseases. Identifiers: MedGen C0950123, MeSH D030342.
Nephronophthisis. Also called: Juvenile Nephronophthisis. Identifiers: Orphanet 655, MedGen C0687120, MONDO:0019005, HP:0000090.

Allele frequency attached by ClinVar (database versions not stated): TOPMed 0.00014; gnomAD exomes 0.00001 and 0.00004; ExAC 0.00007; ESP Exome Variant Server 0.00015; gnomAD 0.00013 and 0.00014; 1000 Genomes Project 0.00020; 1000 Genomes Project 30x 0.00031.
gnomAD v4.1: 33 of 1,613,946 alleles (0.002%); highest among the groups gnomAD compares: African/African-American, 0.043%; no homozygotes.

Submissions (2):

Ambry Genetics
Classification: Uncertain significance for Inborn genetic diseases. Last evaluated: 2025-04-18. Review status: criteria provided, single submitter. Criteria: Ambry Variant Classification Scheme 2023. Collection method: clinical testing. Allele origin: germline.

Labcorp Genetics (formerly Invitae), Labcorp
Classification: Uncertain significance for Nephronophthisis. Last evaluated: 2022-08-23. Review status: criteria provided, single submitter. Criteria: Invitae Variant Classification Sherloc (09022015). Collection method: clinical testing. Allele origin: germline.
Comment: This sequence change replaces glutamine, which is neutral and polar, with proline, which is neutral and non-polar, at codon 407 of the INVS protein (p.Gln407Pro). This variant is present in population databases (rs374662619, gnomAD 0.06%). This variant has not been reported in the literature in individuals affected with INVS-related conditions. ClinVar contains an entry for this variant (Variation ID: 656690). Algorithms developed to predict the effect of missense changes on protein structure and function are either unavailable or do not agree on the potential impact of this missense change (SIFT: "Tolerated"; PolyPhen-2: "Probably Damaging"; Align-GVGD: "Class C0"). In summary, the available evidence is currently insufficient to determine the role of this variant in disease. Therefore, it has been classified as a Variant of Uncertain Significance.